The following is an entry in ClinVar:

ClinVar aggregate classification (germline): Uncertain significance. Review status: criteria provided, multiple submitters, no conflicts (2 of 4 stars). 2 submissions from 2 submitters: Uncertain significance (2). Last evaluated 2025-01-21.

Conditions:
Inborn genetic diseases. Identifiers: MedGen C0950123, MeSH D030342.

gnomAD v4.1: 3 of 1,605,658 alleles (0.00019%); highest among the groups gnomAD compares: Admixed American, 0.005%; no homozygotes.

Submissions (2):

Ambry Genetics
Classification: Uncertain significance for Inborn genetic diseases. Last evaluated: 2025-01-21. Review status: criteria provided, single submitter. Criteria: Ambry Variant Classification Scheme 2023. Collection method: clinical testing. Allele origin: germline.

GeneDx
Classification: Uncertain significance. Last evaluated: 2024-08-05. Review status: criteria provided, single submitter. Criteria: GeneDx Variant Classification Process June 2021. Collection method: clinical testing. Allele origin: germline. Affected: yes.
Comment: Not observed at significant frequency in large population cohorts (gnomAD); In silico analysis indicates that this missense variant does not alter protein structure/function; Has not been previously published as pathogenic or benign to our knowledge

NM_016239.4(MYO15A):c.2855G>T (p.Gly952Val)

Gene: MYO15A (myosin XVA; plus strand). Cytogenetic location: 17p11.2.
Variant type: single nucleotide variant.
Coding change: c.2855G>T on transcript NM_016239.4 (MANE Select); coding-DNA position 2855, G replaced by T.
Protein change: p.Gly952Val; replaces glycine 952 with valine.
Molecular consequence: missense variant.
Genome position (GRCh38, 1-based): chr17:18,121,655, G>T. VCF-style: chr17-18121655-G-T. GRCh37 (hg19) VCF-style: chr17-18024969-G-T.
Other names: short protein forms G952V.
Identifiers: ClinVar variation 2575738 (VCV002575738.3), dbSNP rs779295118, ClinGen allele CA398585621.
Genomic context (GRCh38, chr17:18,121,655, plus strand): 5'-ACATGCCTCCCACCCAACGCCCACCCTCCCCCTGGCCAGGAGGTGCAGGCAGCCGCCGAG[G>T]CTTTTCCAGGCCACCCCCTGTGCCGGAAAACCCCTTTCTCCAGCTCCTGGGCCCTGTGCC-3'
Protein context (NP_057323.3, residues 942-962): PWPGGAGSRR[Gly952Val]FSRPPPVPEN